The following is an entry in ClinVar:

NM_002335.4(LRP5):c.4604G>T (p.Gly1535Val)

Gene: LRP5 (LDL receptor related protein 5; plus strand). Cytogenetic location: 11q13.2.
Variant type: single nucleotide variant.
Coding change: c.4604G>T on transcript NM_002335.4 (MANE Select); coding-DNA position 4604, G replaced by T.
Protein change: p.Gly1535Val; replaces glycine 1535 with valine.
Molecular consequence: missense variant.
Genome position (GRCh38, 1-based): chr11:68,448,826, G>T. VCF-style: chr11-68448826-G-T. GRCh37 (hg19) VCF-style: chr11-68216294-G-T.
Other names: c.2861G>T, p.Gly954Val (NM_001291902.2); short protein forms G1535V, G954V.
Identifiers: ClinVar variation 2093442 (VCV002093442.4), dbSNP rs2496956108, ClinGen allele CA381617846.

ClinVar aggregate classification (germline): Uncertain significance (1 of 4 stars; one submission).

Allele frequency attached by ClinVar (database versions not stated): gnomAD exomes below 0.00001.
gnomAD v4.1: 1 of 1,607,558 alleles (0.000062%); highest among the groups gnomAD compares: Non-Finnish European, 0.000085%; no homozygotes.

Submission:

Labcorp Genetics (formerly Invitae), Labcorp
Classification: Uncertain significance. Last evaluated: 2022-02-05. Review status: criteria provided, single submitter. Criteria: Invitae Variant Classification Sherloc (09022015). Collection method: clinical testing. Allele origin: germline.
Comment: In summary, the available evidence is currently insufficient to determine the role of this variant in disease. Therefore, it has been classified as a Variant of Uncertain Significance. Advanced modeling of protein sequence and biophysical properties (such as structural, functional, and spatial information, amino acid conservation, physicochemical variation, residue mobility, and thermodynamic stability) performed at Invitae indicates that this missense variant is not expected to disrupt LRP5 protein function. This variant has not been reported in the literature in individuals affected with LRP5-related conditions. This variant is not present in population databases (gnomAD no frequency). This sequence change replaces glycine, which is neutral and non-polar, with valine, which is neutral and non-polar, at codon 1535 of the LRP5 protein (p.Gly1535Val).